The following is an entry in ClinVar:

NM_005732.4(RAD50):c.2519A>G (p.Asp840Gly)

Gene: RAD50 (RAD50 double strand break repair protein; plus strand). Cytogenetic location: 5q31.1.
Variant type: single nucleotide variant.
Coding change: c.2519A>G on transcript NM_005732.4 (MANE Select); coding-DNA position 2519, A replaced by G.
Protein change: p.Asp840Gly; replaces aspartic acid 840 with glycine.
Molecular consequence: missense variant.
Genome position (GRCh38, 1-based): chr5:132,604,041, A>G. VCF-style: chr5-132604041-A-G. GRCh37 (hg19) VCF-style: chr5-131939733-A-G.
Other names: short protein forms D840G.
Identifiers: ClinVar variation 1016541 (VCV001016541.9), dbSNP rs1750936714, ClinGen allele CA360955948.

ClinVar aggregate classification (germline): Uncertain significance (1 of 4 stars; one submission).

Conditions:
Hereditary cancer-predisposing syndrome. Also called: Hereditary Cancer Syndrome; Tumor predisposition; Neoplastic Syndromes, Hereditary; Hereditary neoplastic syndrome. Identifiers: Orphanet 140162, MedGen C0027672, MeSH D009386, MONDO:0015356.

Submission:

Labcorp Genetics (formerly Invitae), Labcorp
Classification: Uncertain significance for Hereditary cancer-predisposing syndrome. Last evaluated: 2020-01-08. Review status: criteria provided, single submitter. Criteria: Invitae Variant Classification Sherloc (09022015). Collection method: clinical testing. Allele origin: germline.
Comment: In summary, the available evidence is currently insufficient to determine the role of this variant in disease. Therefore, it has been classified as a Variant of Uncertain Significance. Algorithms developed to predict the effect of missense changes on protein structure and function are either unavailable or do not agree on the potential impact of this missense change (SIFT: "Tolerated"; PolyPhen-2: "Possibly Damaging"; Align-GVGD: "Class C0"). This variant has not been reported in the literature in individuals with RAD50-related conditions. This variant is not present in population databases (ExAC no frequency). This sequence change replaces aspartic acid with glycine at codon 840 of the RAD50 protein (p.Asp840Gly). The aspartic acid residue is moderately conserved and there is a moderate physicochemical difference between aspartic acid and glycine.